The following is an entry in ClinVar:

ClinVar aggregate classification (germline): Uncertain significance (1 of 4 stars; one submission).

Conditions:
Glycogen storage disease, type II (IOPD). Also called: Glycogen storage disease type 2; Acid maltase deficiency disease; Aglucosidase alfa; Deficiency of alpha-glucosidase; Deficiency of lysosomal alpha-glucosidase; CARDIOMEGALIA GLYCOGENICA DIFFUSA. Identifiers: Orphanet 365, MedGen C0017921, MONDO:0009290, OMIM 232300.

Submission:

Labcorp Genetics (formerly Invitae), Labcorp
Classification: Uncertain significance for Glycogen storage disease, type II. Last evaluated: 2021-09-05. Review status: criteria provided, single submitter. Criteria: Invitae Variant Classification Sherloc (09022015). Collection method: clinical testing. Allele origin: germline.
Comment: This sequence change replaces aspartic acid with glycine at codon 501 of the GAA protein (p.Asp501Gly). The aspartic acid residue is highly conserved and there is a moderate physicochemical difference between aspartic acid and glycine. This variant is not present in population databases (ExAC no frequency). This variant has not been reported in the literature in individuals affected with GAA-related conditions. Advanced modeling of protein sequence and biophysical properties (such as structural, functional, and spatial information, amino acid conservation, physicochemical variation, residue mobility, and thermodynamic stability) performed at Invitae indicates that this missense variant is expected to disrupt GAA protein function. In summary, the available evidence is currently insufficient to determine the role of this variant in disease. Therefore, it has been classified as a Variant of Uncertain Significance.

NM_000152.5(GAA):c.1502A>G (p.Asp501Gly)

Gene: GAA (alpha glucosidase; plus strand). Cytogenetic location: 17q25.3.
Variant type: single nucleotide variant.
Coding change: c.1502A>G on transcript NM_000152.5 (MANE Select); coding-DNA position 1502, A replaced by G.
Protein change: p.Asp501Gly; replaces aspartic acid 501 with glycine.
Molecular consequence: missense variant.
Genome position (GRCh38, 1-based): chr17:80,110,791, A>G. VCF-style: chr17-80110791-A-G. GRCh37 (hg19) VCF-style: chr17-78084590-A-G.
Other names: c.1502A>G, p.Asp501Gly (NM_001079803.3, NM_001079804.3); short protein forms D501G.
Identifiers: ClinVar variation 1417210 (VCV001417210.5), dbSNP rs2143872652, ClinGen allele CA401367034.